The following is an entry in ClinVar:

ClinVar aggregate classification (germline): Uncertain significance (1 of 4 stars; one submission).

Submission:

Labcorp Genetics (formerly Invitae), Labcorp
Classification: Uncertain significance. Last evaluated: 2025-02-15. Review status: criteria provided, single submitter. Criteria: Invitae Variant Classification Sherloc (09022015). Collection method: clinical testing. Allele origin: germline.
Comment: This sequence change replaces alanine, which is neutral and non-polar, with valine, which is neutral and non-polar, at codon 919 of the NEDD4L protein (p.Ala919Val). This variant is not present in population databases (gnomAD no frequency). This variant has not been reported in the literature in individuals affected with NEDD4L-related conditions. Invitae Evidence Modeling of protein sequence and biophysical properties (such as structural, functional, and spatial information, amino acid conservation, physicochemical variation, residue mobility, and thermodynamic stability) indicates that this missense variant is expected to disrupt NEDD4L protein function with a positive predictive value of 80%. In summary, the available evidence is currently insufficient to determine the role of this variant in disease. Therefore, it has been classified as a Variant of Uncertain Significance.

NM_001144967.3(NEDD4L):c.2816C>T (p.Ala939Val)

Gene: NEDD4L (NEDD4 like E3 ubiquitin protein ligase; plus strand). Cytogenetic location: 18q21.31.
Variant type: single nucleotide variant.
Coding change: c.2816C>T on transcript NM_001144967.3 (MANE Select); coding-DNA position 2816, C replaced by T.
Protein change: p.Ala939Val; replaces alanine 939 with valine.
Molecular consequence: missense variant.
Genome position (GRCh38, 1-based): chr18:58,391,550, C>T. VCF-style: chr18-58391550-C-T. GRCh37 (hg19) VCF-style: chr18-56058782-C-T.
Other names: c.2453C>T, p.Ala818Val (NM_001144964.1, NM_001144965.2, NM_001144966.3); c.2792C>T, p.Ala931Val (NM_001144968.2); c.2732C>T, p.Ala911Val (NM_001144969.2); c.2393C>T, p.Ala798Val (NM_001144970.3, NM_001144971.2); c.2624C>T, p.Ala875Val (NM_001243960.2); c.3653C>T, p.Ala1218Val (NM_001437337.1); c.2756C>T, p.Ala919Val (NM_015277.6); short protein forms A919V, A931V, A939V, A1218V, A798V, A818V, A911V, A875V.
Identifiers: ClinVar variation 4780440 (VCV004780440.1).
Genomic context (GRCh38, chr18:58,391,550, plus strand): 5'-CCAATGGTCCTCAGCTGTTTACAATAGAGCAATGGGGCAGTCCTGAGAAACTGCCCAGAG[C>T]TCACACATGGTGAGTGACAAAAACACATGCATGTCAATGCAATATCTGAACTGCTTAGCT-3'
Protein context (NP_001138439.1, residues 929-949): QWGSPEKLPR[Ala939Val]HTCFNRLDLP